The following is an entry in ClinVar:

NM_000388.4(CASR):c.263T>C (p.Leu88Pro)

Gene: CASR (calcium sensing receptor; plus strand). Cytogenetic location: 3q21.1.
Variant type: single nucleotide variant.
Coding change: c.263T>C on transcript NM_000388.4 (MANE Select); coding-DNA position 263, T replaced by C.
Protein change: p.Leu88Pro; replaces leucine 88 with proline.
Molecular consequence: missense variant.
Genome position (GRCh38, 1-based): chr3:122,257,158, T>C. VCF-style: chr3-122257158-T-C. GRCh37 (hg19) VCF-style: chr3-121976005-T-C.
Other names: c.263T>C, p.Leu88Pro (NM_001178065.2); short protein forms L88P.
Identifiers: ClinVar variation 3751679 (VCV003751679.2).
Genomic context (GRCh38, chr3:122,257,158, plus strand): 5'-TTCGCTGGTTACAGGCTATGATATTTGCCATAGAGGAGATAAACAGCAGCCCAGCCCTTC[T>C]TCCCAACTTGACGCTGGGATACAGGATATTTGACACTTGCAACACCGTTTCTAAGGCCTT-3'
Protein context (NP_000379.3, residues 78-98): IEEINSSPAL[Leu88Pro]PNLTLGYRIF

ClinVar aggregate classification (germline): Uncertain significance (1 of 4 stars; one submission).

Conditions:
Autosomal dominant hypocalcemia 1 (HYPOC1). Also called: HYPOCALCEMIA, FAMILIAL. Identifiers: MedGen C3715128, MONDO:0011013, OMIM 601198.
Familial hypocalciuric hypercalcemia (FHH). Also called: Familial benign hypercalcemia. Identifiers: Orphanet 405, MedGen C1809471, MONDO:0018458.

Submission:

Labcorp Genetics (formerly Invitae), Labcorp
Classification: Uncertain significance for Familial hypocalciuric hypercalcemia; Autosomal dominant hypocalcemia 1. Last evaluated: 2024-03-17. Review status: criteria provided, single submitter. Criteria: Invitae Variant Classification Sherloc (09022015). Collection method: clinical testing. Allele origin: germline.
Comment: This sequence change replaces leucine, which is neutral and non-polar, with proline, which is neutral and non-polar, at codon 88 of the CASR protein (p.Leu88Pro). This variant is not present in population databases (gnomAD no frequency). This variant has not been reported in the literature in individuals affected with CASR-related conditions. An algorithm developed to predict the effect of missense changes on protein structure and function (PolyPhen-2) suggests that this variant is likely to be disruptive. In summary, the available evidence is currently insufficient to determine the role of this variant in disease. Therefore, it has been classified as a Variant of Uncertain Significance.